The following is an entry in ClinVar:

NM_001375405.1(CEP120):c.266A>G (p.Lys89Arg)

Gene: CEP120 (centrosomal protein 120; minus strand). Cytogenetic location: 5q23.2.
Variant type: single nucleotide variant.
Coding change: c.266A>G on transcript NM_001375405.1 (MANE Select); coding-DNA position 266, A replaced by G.
Protein change: p.Lys89Arg; replaces lysine 89 with arginine.
Molecular consequence: missense variant. On other transcripts: 5 prime UTR variant (2), non-coding transcript variant (1).
Genome position (GRCh38, 1-based): chr5:123,416,065, T>C on the plus strand (A>G on the coding strand, the complement: CEP120 is on the minus strand). VCF-style: chr5-123416065-T-C. GRCh37 (hg19) VCF-style: chr5-122751759-T-C.
Other names: c.188A>G, p.Lys63Arg (NM_001166226.2); c.266A>G, p.Lys89Arg (NM_001375406.1, NM_001375407.1, NM_153223.4); c.-483A>G (NM_001375408.1); c.-425A>G (NM_001375409.1); short protein forms K63R, K89R.
Identifiers: ClinVar variation 3375609 (VCV003375609.1).

ClinVar aggregate classification (germline): Uncertain significance (1 of 4 stars; one submission).

gnomAD v4.1: 12 of 1,614,168 alleles (0.00074%); highest among the groups gnomAD compares: Admixed American, 0.0083%; no homozygotes.

Submission:

GeneDx
Classification: Uncertain significance. Last evaluated: 2024-05-10. Review status: criteria provided, single submitter. Criteria: GeneDx Variant Classification Process June 2021. Collection method: clinical testing. Allele origin: germline. Affected: yes.
Comment: Not observed at significant frequency in large population cohorts (gnomAD); In silico analysis indicates that this missense variant does not alter protein structure/function; Has not been previously published as pathogenic or benign to our knowledge